The following is an entry in ClinVar:

ClinVar aggregate classification (germline): Uncertain significance (1 of 4 stars; one submission).

Submission:

GeneDx
Classification: Uncertain significance. Last evaluated: 2022-05-18. Review status: criteria provided, single submitter. Criteria: GeneDx Variant Classification Process June 2021. Collection method: clinical testing. Allele origin: germline. Affected: yes.
Comment: Not observed at significant frequency in large population cohorts (gnomAD); Missense variants in this gene are often considered pathogenic (HGMD); In silico analysis supports that this missense variant has a deleterious effect on protein structure/function; Has not been previously published as pathogenic or benign to our knowledge; This variant is associated with the following publications: (PMID: 29493581)

NM_005633.4(SOS1):c.3656C>G (p.Pro1219Arg)

Gene: SOS1 (SOS Ras/Rac guanine nucleotide exchange factor 1; minus strand). Cytogenetic location: 2p22.1.
Variant type: single nucleotide variant.
Coding change: c.3656C>G on transcript NM_005633.4 (MANE Select); coding-DNA position 3656, C replaced by G.
Protein change: p.Pro1219Arg; replaces proline 1219 with arginine.
Molecular consequence: missense variant.
Genome position (GRCh38, 1-based): chr2:38,986,170, G>C on the plus strand (C>G on the coding strand, the complement: SOS1 is on the minus strand). VCF-style: chr2-38986170-G-C. GRCh37 (hg19) VCF-style: chr2-39213311-G-C.
Other names: c.3635C>G, p.Pro1212Arg (NM_001382394.1); c.3611C>G, p.Pro1204Arg (NM_001382395.1); short protein forms P1204R, P1212R, P1219R.
Identifiers: ClinVar variation 1800617 (VCV001800617.1), dbSNP rs2528871777, ClinGen allele CA346362586.